The following is an entry in ClinVar:

NM_001754.5(RUNX1):c.1183C>G (p.Pro395Ala)

Gene: RUNX1 (RUNX family transcription factor 1; minus strand). Cytogenetic location: 21q22.12.
Variant type: single nucleotide variant.
Coding change: c.1183C>G on transcript NM_001754.5 (MANE Select); coding-DNA position 1183, C replaced by G.
Protein change: p.Pro395Ala; replaces proline 395 with alanine.
Molecular consequence: missense variant.
Genome position (GRCh38, 1-based): chr21:34,792,395, G>C on the plus strand (C>G on the coding strand, the complement: RUNX1 is on the minus strand). VCF-style: chr21-34792395-G-C. GRCh37 (hg19) VCF-style: chr21-36164692-G-C.
Other names: NM_001754.5(RUNX1):c.1183C>G; p.Pro395Ala; c.1102C>G, p.Pro368Ala (NM_001001890.3); short protein forms P368A, P395A.
Identifiers: ClinVar variation 1723516 (VCV001723516.3), dbSNP rs765629212, ClinGen allele CA10014194.

ClinVar aggregate classification (germline): Uncertain significance. Review status: reviewed by expert panel (3 of 4 stars). 2 submissions from 2 submitters: Uncertain significance (1). 1 of the submissions does not count toward it. Last evaluated 2024-07-31.

Conditions:
Hereditary thrombocytopenia and hematologic cancer predisposition syndrome. Identifiers: Orphanet 71290, MedGen CN281654, MONDO:0011071.

Allele frequency attached by ClinVar (database versions not stated): TOPMed below 0.00001; ExAC 0.00005.

Submissions (2):

ClinGen Myeloid Malignancy Variant Curation Expert Panel
Classification: Uncertain significance for Hereditary thrombocytopenia and hematologic cancer predisposition syndrome. Last evaluated: 2024-07-31. Review status: reviewed by expert panel. Criteria: ClinGen MyeloMalig ACMG Specifications v2. Collection method: curation. Allele origin: germline. Inheritance: Autosomal dominant inheritance.
Comment: NM_001754.5(RUNX1):c.1183C>G (p.Pro395Ala) is a missense variant which is present in one allele (0.01026%) in the African/African American population in gnomAD v2.1.1. This variant has not been reported in any proband meeting at least one of the RUNX1-phenotypic criteria. It has a REVEL score of 0.13 (BP4). In summary, this variant meets the criteria to be classified as a variant of uncertain significance (VUS). ACMG/AMP criteria applied, as specified by the Myeloid Malignancy Variant Curation Expert Panel for RUNX1: BP4.

GeneDx
Classification: Uncertain significance. Last evaluated: 2022-05-10. Review status: criteria provided, single submitter. Criteria: GeneDx Variant Classification Process June 2021. Collection method: clinical testing. Allele origin: germline. Affected: yes. Not counted in ClinVar's aggregate classification.
Comment: Not observed at significant frequency in large population cohorts (gnomAD); In silico analysis supports that this missense variant has a deleterious effect on protein structure/function; Has not been previously published as pathogenic or benign to our knowledge